The following is an entry in ClinVar:

NM_003322.6(TULP1):c.855dup (p.Val286fs)

Gene: TULP1 (TUB like protein 1; minus strand). Cytogenetic location: 6p21.31.
Variant type: Duplication.
Coding change: c.855dup on transcript NM_003322.6 (MANE Select); coding-DNA position 855, one base duplicated (C; older notation c.855dupC).
Protein change: p.Val286fs; shifts the reading frame from valine 286.
Molecular consequence: frameshift variant.
Genome position (GRCh38, 1-based): chr6:35,506,147, G duplicated on the plus strand (C on the coding strand, the reverse complement: TULP1 is on the minus strand); the first of 6 consecutive G bases (chr6:35,506,147-35,506,152); duplicating any one gives the same sequence. VCF-style (leftmost placement, unchanged base first): chr6-35506146-C-CG. GRCh37 (hg19) VCF-style: chr6-35473923-C-CG.
Other names: p.Val286ArgfsX98; c.696dup, p.Val233fs (NM_001289395.2); short protein forms V286fs, V233fs.
Identifiers: ClinVar variation 505327 (VCV000505327.8), dbSNP rs1554125752, ClinGen allele CA658796759.
Genomic context (GRCh38, chr6:35,506,146, plus strand): 5'-GCACCGTGCGGCCCTGGGGGGCAGGCCGGAGCACAAACTCCCGGGGTTCGTCCACCTCCA[C>CG]GGGGGGAGACGGGGCCCTCTCCTCCTTCTGGGTGGGGGCAGAGGGTACATCAGCCCCAGA-3'

ClinVar aggregate classification (germline): Pathogenic/Likely pathogenic. Review status: criteria provided, multiple submitters, no conflicts (2 of 4 stars). 2 submissions from 2 submitters: Pathogenic (1); Likely pathogenic (1). Last evaluated 2024-03-18.

Conditions:
Retinitis pigmentosa (RP). Identifiers: Orphanet 791, MedGen C0035334, MeSH D012174, MONDO:0019200, OMIM 268000. Inheritance: Autosomal dominant, autosomal recessive and X linked inheritance.
Leber congenital amaurosis (LCA). Also called: Leber's amaurosis. Identifiers: Orphanet 65, MedGen C0339527, MeSH D057130, MONDO:0018998.

Submissions (2):

Labcorp Genetics (formerly Invitae), Labcorp
Classification: Pathogenic. Last evaluated: 2024-03-18. Review status: criteria provided, single submitter. Criteria: Invitae Variant Classification Sherloc (09022015). Collection method: clinical testing. Allele origin: germline.
Comment: This sequence change creates a premature translational stop signal (p.Val286Argfs*98) in the TULP1 gene. It is expected to result in an absent or disrupted protein product. Loss-of-function variants in TULP1 are known to be pathogenic (PMID: 8606774, 10549638, 15024725, 18055821). This variant is not present in population databases (gnomAD no frequency). This variant has not been reported in the literature in individuals affected with TULP1-related conditions. ClinVar contains an entry for this variant (Variation ID: 505327). For these reasons, this variant has been classified as Pathogenic.

Laboratory for Molecular Medicine, Mass General Brigham Personalized Medicine
Classification: Likely pathogenic for Leber congenital amaurosis; Retinitis pigmentosa. Last evaluated: 2016-09-05. Review status: criteria provided, single submitter. Criteria: LMM Criteria. Collection method: clinical testing. Allele origin: germline. Inheritance: Autosomal recessive inheritance. Observed: 1 variant allele.
Comment: The p.Val286ArgfsX98 variant in TULP1 has not been reported in patients and it w as absent from large population studies. This variant is predicted to cause a fr ameshift, which alters the protein?s amino acid sequence beginning at position 2 86 and leads to a premature termination codon 98 amino acids downstream. This al teration is then predicted to lead to a truncated or absent protein. Biallelic l oss of function in the TULP1 gene has been associated with retinal dystrophy (Le ber congenital amaurosis or juvenile retinitis pigmentosa). In summary, although additional studies are required to fully establish its clinical significance, t he p.Val286ArgfsX98 variant in TULP1 is likely pathogenic.

Literature cited by the submitters: PubMed 8606774 (cited by Labcorp Genetics (formerly Invitae), Labcorp); PubMed 10549638 (cited by Labcorp Genetics (formerly Invitae), Labcorp); PubMed 15024725 (cited by Labcorp Genetics (formerly Invitae), Labcorp); PubMed 18055821 (cited by Labcorp Genetics (formerly Invitae), Labcorp).